The following is an entry in ClinVar:

ClinVar aggregate classification (germline): Uncertain significance. Review status: criteria provided, multiple submitters, no conflicts (2 of 4 stars). 2 submissions from 2 submitters: Uncertain significance (2). Last evaluated 2025-01-16.

Conditions:
Inborn genetic diseases. Identifiers: MedGen C0950123, MeSH D030342.
Deafness-lymphedema-leukemia syndrome. Also called: Emberger syndrome; Lymphedema, primary, with myelodysplasia. Identifiers: Orphanet 3226, MedGen C3279664, MONDO:0013540, OMIM 614038.
Monocytopenia with susceptibility to infections. Also called: MONOCYTOPENIA AND MYCOBACTERIAL INFECTION SYNDROME; MONOCYTOPENIA WITH SUSCEPTIBILITY TO MYCOBACTERIAL, FUNGAL, AND PAPILLOMAVIRUS INFECTIONS AND MYELODYSPLASIA; COMBINED IMMUNODEFICIENCY WITH SUSCEPTIBILITY TO MYCOBACTERIAL, VIRAL, AND FUNGAL INFECTIONS; Dendritic cell, monocyte, B lymphocyte, and natural killer lymphocyte deficiency; IMMUNODEFICIENCY 21; GATA2 DEFICIENCY. Identifiers: Orphanet 228423, MedGen C3280030, MONDO:0013607, OMIM 614172.

Allele frequency attached by ClinVar (database versions not stated): ExAC 0.00001; gnomAD exomes 0.00001.
gnomAD v4.1: 4 of 1,612,870 alleles (0.00025%); highest among the groups gnomAD compares: Non-Finnish European, 0.00034%; no homozygotes.

Submissions (2):

Ambry Genetics
Classification: Uncertain significance for Inborn genetic diseases. Last evaluated: 2025-01-16. Review status: criteria provided, single submitter. Criteria: Ambry Variant Classification Scheme 2023. Collection method: clinical testing. Allele origin: germline.
Comment: The p.A30T variant (also known as c.88G>A), located in coding exon 1 of the GATA2 gene, results from a G to A substitution at nucleotide position 88. The alanine at codon 30 is replaced by threonine, an amino acid with similar properties. This amino acid position is highly conserved in available vertebrate species. In addition, this alteration is predicted to be tolerated by in silico analysis. Based on the available evidence, the clinical significance of this variant remains unclear.

Labcorp Genetics (formerly Invitae), Labcorp
Classification: Uncertain significance for Monocytopenia with susceptibility to infections; Deafness-lymphedema-leukemia syndrome. Last evaluated: 2022-11-22. Review status: criteria provided, single submitter. Criteria: Invitae Variant Classification Sherloc (09022015). Collection method: clinical testing. Allele origin: germline.
Comment: In summary, the available evidence is currently insufficient to determine the role of this variant in disease. Therefore, it has been classified as a Variant of Uncertain Significance. Advanced modeling of protein sequence and biophysical properties (such as structural, functional, and spatial information, amino acid conservation, physicochemical variation, residue mobility, and thermodynamic stability) performed at Invitae indicates that this missense variant is not expected to disrupt GATA2 protein function. ClinVar contains an entry for this variant (Variation ID: 1513236). This variant has not been reported in the literature in individuals affected with GATA2-related conditions. This variant is present in population databases (rs774249703, gnomAD 0.0009%). This sequence change replaces alanine, which is neutral and non-polar, with threonine, which is neutral and polar, at codon 30 of the GATA2 protein (p.Ala30Thr).

NM_032638.5(GATA2):c.88G>A (p.Ala30Thr)

Gene: GATA2 (GATA binding protein 2; minus strand). Cytogenetic location: 3q21.3.
Variant type: single nucleotide variant.
Coding change: c.88G>A on transcript NM_032638.5 (MANE Select); coding-DNA position 88, G replaced by A.
Protein change: p.Ala30Thr; replaces alanine 30 with threonine.
Molecular consequence: missense variant.
Genome position (GRCh38, 1-based): chr3:128,486,944, C>T on the plus strand (G>A on the coding strand, the complement: GATA2 is on the minus strand). VCF-style: chr3-128486944-C-T. GRCh37 (hg19) VCF-style: chr3-128205787-C-T.
Other names: c.88G>A, p.Ala30Thr (NM_001145661.2, NM_001145662.1); c.88G>A (NM_032638.4); short protein forms A30T.
Identifiers: ClinVar variation 1513236 (VCV001513236.9), dbSNP rs774249703, ClinGen allele CA2600104.
Genomic context (GRCh38, chr3:128,486,944, plus strand): 5'-TGAAGAAGACGTCCACCTCGTCTGGAGGCAGCAGCTGCGCGGGTTCCATGTAGTTGTGCG[C>T]CAGGCCCGGGTGGTGTGAGTCGGGGTGCTGCGCATTCAGCACGGCCGGGTGCGCCATCCA-3'
Protein context (NP_116027.2, residues 20-40): QHPDSHHPGL[Ala30Thr]HNYMEPAQLL